The following is an entry in ClinVar:

ClinVar aggregate classification (germline): Uncertain significance. Review status: criteria provided, multiple submitters, no conflicts (2 of 4 stars). 3 submissions from 3 submitters: Uncertain significance (3). Last evaluated 2025-03-04.

Conditions:
Hereditary cancer-predisposing syndrome. Also called: Tumor predisposition; Hereditary neoplastic syndrome; Neoplastic Syndromes, Hereditary; Hereditary Cancer Syndrome. Identifiers: Orphanet 140162, MedGen C0027672, MeSH D009386, MONDO:0015356.
Ataxia-telangiectasia syndrome (AT). Also called: Ataxia-telangiectasia, complementation group D; AT, COMPLEMENTATION GROUP C; ATAXIA-TELANGIECTASIA, COMPLEMENTATION GROUP A; ATAXIA-TELANGIECTASIA, FRESNO VARIANT; Ataxia-telangiectasia; LOUIS-BAR SYNDROME. Identifiers: Orphanet 100, MedGen C0004135, MONDO:0008840, OMIM 208900.

Submissions (3):

Center for Genomic Medicine, Rigshospitalet, Copenhagen University Hospital
Classification: Uncertain significance. Last evaluated: 2025-03-04. Review status: criteria provided, single submitter. Criteria: ACMG Guidelines, 2015. Collection method: clinical testing. Allele origin: germline.

Ambry Genetics
Classification: Uncertain significance for Hereditary cancer-predisposing syndrome. Last evaluated: 2025-02-13. Review status: criteria provided, single submitter. Criteria: Ambry Variant Classification Scheme 2023. Collection method: clinical testing. Allele origin: germline.
Comment: The p.L2135P variant (also known as c.6404T>C), located in coding exon 43 of the ATM gene, results from a T to C substitution at nucleotide position 6404. The leucine at codon 2135 is replaced by proline, an amino acid with similar properties. This amino acid position is highly conserved in available vertebrate species. In addition, this alteration is predicted to be deleterious by in silico analysis. Based on the available evidence, the clinical significance of this variant remains unclear.

Labcorp Genetics (formerly Invitae), Labcorp
Classification: Uncertain significance for Ataxia-telangiectasia syndrome. Last evaluated: 2021-09-02. Review status: criteria provided, single submitter. Criteria: Invitae Variant Classification Sherloc (09022015). Collection method: clinical testing. Allele origin: germline.
Comment: This sequence change replaces leucine with proline at codon 2135 of the ATM protein (p.Leu2135Pro). The leucine residue is highly conserved and there is a moderate physicochemical difference between leucine and proline. This variant is not present in population databases (ExAC no frequency). This variant has not been reported in the literature in individuals affected with ATM-related conditions. Algorithms developed to predict the effect of missense changes on protein structure and function (SIFT, PolyPhen-2, Align-GVGD) all suggest that this variant is likely to be disruptive. In summary, the available evidence is currently insufficient to determine the role of this variant in disease. Therefore, it has been classified as a Variant of Uncertain Significance.

NM_000051.4(ATM):c.6404T>C (p.Leu2135Pro)

Genes: ATM (ATM serine/threonine kinase; plus strand), C11orf65 (chromosome 11 open reading frame 65; minus strand). Cytogenetic location: 11q22.3.
Variant type: single nucleotide variant.
Coding change: c.6404T>C on transcript NM_000051.4 (MANE Select); coding-DNA position 6404, T replaced by C.
Protein change: p.Leu2135Pro; replaces leucine 2135 with proline.
Molecular consequence: missense variant. On other transcripts: intron variant (2).
Genome position (GRCh38, 1-based): chr11:108,320,010, T>C. VCF-style: chr11-108320010-T-C. GRCh37 (hg19) VCF-style: chr11-108190737-T-C.
Other names: c.6404T>C, p.Leu2135Pro (NM_001351834.2); c.641-10939A>G (NM_001330368.2); c.*39-10939A>G (NM_001351110.2); short protein forms L2135P.
Identifiers: ClinVar variation 651039 (VCV000651039.12), dbSNP rs1591100266, ClinGen allele CA382553401.
Genomic context (GRCh38, chr11:108,320,010, plus strand): 5'-ACAGCAAAGAAGTAGAAGGAACCAGTTACCATGAATCATTGTACAATGCTCTACAATCTC[T>C]AAGAGACAGAGAATTCTCTACATTTTATGAAAGTCTCAAATATGCCAGGTATTATGAAAA-3'
Protein context (NP_000042.3, residues 2125-2145): HESLYNALQS[Leu2135Pro]RDREFSTFYE